The following is an entry in ClinVar:

NM_080680.3(COL11A2):c.1971+20C>T

Gene: COL11A2 (collagen type XI alpha 2 chain; minus strand). Cytogenetic location: 6p21.32.
Variant type: single nucleotide variant.
Coding change: c.1971+20C>T on transcript NM_080680.3 (MANE Select); 20 bases into the intron after coding-DNA position 1971, C replaced by T.
Molecular consequence: intron variant.
Genome position (GRCh38, 1-based): chr6:33,177,392, G>A on the plus strand (C>T on the coding strand, the complement: COL11A2 is on the minus strand). VCF-style: chr6-33177392-G-A. GRCh37 (hg19) VCF-style: chr6-33145169-G-A.
Other names: c.1650+20C>T (NM_080679.3); c.1713+20C>T (NM_080681.3).
Identifiers: ClinVar variation 681813 (VCV000681813.6), dbSNP rs770912127, ClinGen allele CA3751109.
Genomic context (GRCh38, chr6:33,177,392, plus strand): 5'-TATCCTTCCAGGGTCTCACCCATTGTGGAAGCCCAAGGGAAGTCATGAAAATTGGGGAAC[G>A]GAGTAGGGGCACCGCTCACCTGGGTCCCAGGGGTGCCCTGTTGTCCAGGAGGTCCTGGCT-3'

ClinVar aggregate classification (germline): Likely benign. Review status: criteria provided, multiple submitters, no conflicts (2 of 4 stars). 2 submissions from 2 submitters: Likely benign (2). Last evaluated 2025-10-29.

Allele frequency attached by ClinVar (database versions not stated): ExAC 0.00002; TOPMed 0.00002; gnomAD exomes 0.00003.
gnomAD v4.1: 51 of 1,612,478 alleles (0.0032%); highest among the groups gnomAD compares: East Asian, 0.033%; no homozygotes.

Submissions (2):

Labcorp Genetics (formerly Invitae), Labcorp
Classification: Likely benign. Last evaluated: 2025-10-29. Review status: criteria provided, single submitter. Criteria: Invitae Variant Classification Sherloc (09022015). Collection method: clinical testing. Allele origin: germline.

GeneDx
Classification: Likely benign. Last evaluated: 2018-04-13. Review status: criteria provided, single submitter. Criteria: GeneDx Variant Classification (06012015). Collection method: clinical testing. Allele origin: germline. Affected: yes.
Comment: This variant is considered likely benign or benign based on one or more of the following criteria: it is a conservative change, it occurs at a poorly conserved position in the protein, it is predicted to be benign by multiple in silico algorithms, and/or has population frequency not consistent with disease.